The following is an entry in ClinVar:

NM_007327.4(GRIN1):c.707C>T (p.Ala236Val)

Gene: GRIN1 (glutamate ionotropic receptor NMDA type subunit 1; plus strand). Cytogenetic location: 9q34.3.
Variant type: single nucleotide variant.
Coding change: c.707C>T on transcript NM_007327.4 (MANE Select); coding-DNA position 707, C replaced by T.
Protein change: p.Ala236Val; replaces alanine 236 with valine.
Molecular consequence: missense variant.
Genome position (GRCh38, 1-based): chr9:137,156,704, C>T. VCF-style: chr9-137156704-C-T. GRCh37 (hg19) VCF-style: chr9-140051156-C-T.
Other names: c.707C>T, p.Ala236Val (NM_000832.7, NM_021569.4); c.770C>T, p.Ala257Val (NM_001185090.2, NM_001185091.2); short protein forms A236V, A257V.
Identifiers: ClinVar variation 2984984 (VCV002984984.2), dbSNP rs1833243384, ClinGen allele CA375714690.

ClinVar aggregate classification (germline): Uncertain significance (1 of 4 stars; one submission).

Conditions:
Neurodevelopmental disorder with or without hyperkinetic movements and seizures, autosomal dominant. Also called: Intellectual disability, autosomal dominant 8. Identifiers: MedGen C3280282, MONDO:0013655, OMIM 614254.

Allele frequency attached by ClinVar (database versions not stated): TOPMed below 0.00001.

Submission:

Labcorp Genetics (formerly Invitae), Labcorp
Classification: Uncertain significance for Neurodevelopmental disorder with or without hyperkinetic movements and seizures, autosomal dominant. Last evaluated: 2022-12-16. Review status: criteria provided, single submitter. Criteria: Invitae Variant Classification Sherloc (09022015). Collection method: clinical testing. Allele origin: germline.
Comment: In summary, the available evidence is currently insufficient to determine the role of this variant in disease. Therefore, it has been classified as a Variant of Uncertain Significance. Algorithms developed to predict the effect of missense changes on protein structure and function (SIFT, PolyPhen-2, Align-GVGD) all suggest that this variant is likely to be tolerated. This variant has not been reported in the literature in individuals affected with GRIN1-related conditions. This variant is not present in population databases (gnomAD no frequency). This sequence change replaces alanine, which is neutral and non-polar, with valine, which is neutral and non-polar, at codon 236 of the GRIN1 protein (p.Ala236Val).